The following is an entry in ClinVar:

ClinVar aggregate classification (germline): Likely benign. Review status: criteria provided, multiple submitters, no conflicts (2 of 4 stars). 6 submissions from 6 submitters: Likely benign (5). 1 of the submissions does not count toward it. Last evaluated 2026-01-28.

Conditions:
Xeroderma pigmentosum (XP). Identifiers: Orphanet 910, MedGen C0043346, MONDO:0019600.
Xeroderma pigmentosum variant type. Also called: PHOTOSENSITIVITY WITH DEFECTIVE DNA SYNTHESIS; XERODERMA PIGMENTOSUM WITH NORMAL DNA REPAIR RATES; POLH-Related Xeroderma Pigmentosum. Identifiers: Orphanet 90342, MedGen C1848410, MONDO:0010214, OMIM 278750.
POLH-related disorder. Also called: POLH-related condition.

Allele frequency attached by ClinVar (database versions not stated): gnomAD exomes 0.00042; ExAC 0.00057; 1000 Genomes Project 30x 0.00109; 1000 Genomes Project 0.00140; ESP Exome Variant Server 0.00177; gnomAD 0.00186 and 0.00198; TOPMed 0.00209.

Submissions (6):

Labcorp Genetics (formerly Invitae), Labcorp
Classification: Likely benign. Last evaluated: 2026-01-28. Review status: criteria provided, single submitter. Criteria: Invitae Variant Classification Sherloc (09022015). Collection method: clinical testing. Allele origin: germline.

Sema4
Classification: Likely benign for Xeroderma pigmentosum. Last evaluated: 2021-06-23. Review status: criteria provided, single submitter. Criteria: Sema4 Curation Guidelines. Collection method: curation. Allele origin: germline.

GeneDx
Classification: Likely benign. Last evaluated: 2020-11-24. Review status: criteria provided, single submitter. Criteria: GeneDx Variant Classification Process June 2021. Collection method: clinical testing. Allele origin: germline. Affected: yes.
Comment: In silico analysis, which includes protein predictors and evolutionary conservation, supports that this variant does not alter protein structure/function; Has not been previously published as pathogenic or benign to our knowledge

Illumina Laboratory Services, Illumina
Classification: Likely benign for Xeroderma pigmentosum variant type. Last evaluated: 2018-01-13. Review status: criteria provided, single submitter. Criteria: ICSL Variant Classification Criteria 13 December 2019. Collection method: clinical testing. Allele origin: germline.
Comment: This variant was observed in the ICSL laboratory as part of a predisposition screen in an ostensibly healthy population. It had not been previously curated by ICSL or reported in the Human Gene Mutation Database (HGMD: prior to June 1st, 2018), and was therefore a candidate for classification through an automated scoring system. Utilizing variant allele frequency, disease prevalence and penetrance estimates, and inheritance mode, an automated score was calculated to assess if this variant is too frequent to cause the disease. Based on the score and internal cut-off values, a variant classified as likely benign is not then subjected to further curation. The score for this variant resulted in a classification of likely benign for this disease.

Breakthrough Genomics
Classification: Likely benign. Review status: criteria provided, single submitter. Criteria: ACMG Guidelines, 2015. Collection method: not provided. Allele origin: germline. Inheritance: Autosomal recessive inheritance. Affected: yes.

PreventionGenetics, part of Exact Sciences
Classification: Likely benign for POLH-related condition. Last evaluated: 2020-05-01. Review status: no assertion criteria provided. Collection method: clinical testing. Allele origin: germline. Not counted in ClinVar's aggregate classification.
Comment: This variant is classified as likely benign based on ACMG/AMP sequence variant interpretation guidelines (Richards et al. 2015 PMID: 25741868, with internal and published modifications).

NM_006502.3(POLH):c.1572A>C (p.Gln524His)

Gene: POLH (DNA polymerase eta; plus strand). Cytogenetic location: 6p21.1.
Variant type: single nucleotide variant.
Coding change: c.1572A>C on transcript NM_006502.3 (MANE Select); coding-DNA position 1572, A replaced by C.
Protein change: p.Gln524His; replaces glutamine 524 with histidine.
Molecular consequence: missense variant. On other transcripts: 3 prime UTR variant (1).
Genome position (GRCh38, 1-based): chr6:43,613,987, A>C. VCF-style: chr6-43613987-A-C. GRCh37 (hg19) VCF-style: chr6-43581724-A-C.
Other names: c.1200A>C, p.Gln400His (NM_001291969.2); c.*256A>C (NM_001291970.2); short protein forms Q400H, Q524H.
Identifiers: ClinVar variation 911796 (VCV000911796.13), dbSNP rs138752565, ClinGen allele CA3827268.
Genomic context (GRCh38, chr6:43,613,987, plus strand): 5'-CACTCAGGCTCCCATGAGCAATTCACCATCCAAGCCCTCATTACCTTTTCAAACCAGTCA[A>C]AGTACAGGAACTGAGCCCTTCTTTAAGCAGAAAAGTCTGCTTCTAAAGCAGAAACAGCTT-3'
Protein context (NP_006493.1, residues 514-534): SKPSLPFQTS[Gln524His]STGTEPFFKQ